The following is an entry in ClinVar:

NM_000092.5(COL4A4):c.1986A>T (p.Lys662Asn)

Gene: COL4A4 (collagen type IV alpha 4 chain; minus strand). Cytogenetic location: 2q36.3.
Variant type: single nucleotide variant.
Coding change: c.1986A>T on transcript NM_000092.5 (MANE Select); coding-DNA position 1986, A replaced by T.
Protein change: p.Lys662Asn; replaces lysine 662 with asparagine.
Molecular consequence: missense variant.
Genome position (GRCh38, 1-based): chr2:227,077,895, T>A on the plus strand (A>T on the coding strand, the complement: COL4A4 is on the minus strand). VCF-style: chr2-227077895-T-A. GRCh37 (hg19) VCF-style: chr2-227942611-T-A.
Other names: short protein forms K662N.
Identifiers: ClinVar variation 1902850 (VCV001902850.10), dbSNP rs2059119231, ClinGen allele CA350845088.

ClinVar aggregate classification (germline): Uncertain significance. Review status: criteria provided, multiple submitters, no conflicts (2 of 4 stars). 6 submissions from 6 submitters: Uncertain significance (6). Last evaluated 2026-09-01.

Conditions:
Autosomal recessive Alport syndrome (ATS2). Also called: COL4A4 Alport Syndrome and Thin Basement Membrane Nephropathy; ALPORT SYNDROME 2, AUTOSOMAL RECESSIVE; Alport syndrome type 2; COL4A3-Related Nephropathy. Identifiers: Orphanet 63, Orphanet 88919, MedGen C4746745, MONDO:0008762, OMIM 203780.
Hematuria, benign familial, 1 (BFH1). Also called: THIN MEMBRANE NEPHROPATHY. Identifiers: MedGen CN376803, MONDO:0007709, OMIM 141200.
Inborn genetic diseases. Identifiers: MedGen C0950123, MeSH D030342.

Allele frequency attached by ClinVar (database versions not stated): gnomAD exomes below 0.00001; TOPMed below 0.00001.
gnomAD v4.1: 3 of 1,612,310 alleles (0.00019%); highest among the groups gnomAD compares: Non-Finnish European, 0.00025%; no homozygotes.

Submissions (6):

CeGaT Center for Human Genetics Tuebingen
Classification: Uncertain significance. Last evaluated: 2026-09-01. Review status: criteria provided, single submitter. Criteria: CeGaT Center For Human Genetics Tuebingen Variant Classification Criteria Version 2. Collection method: clinical testing. Allele origin: germline. Affected: yes. Observed: 1 variant allele.
Comment: COL4A4: PM2

GeneDx
Classification: Uncertain significance. Last evaluated: 2026-04-02. Review status: criteria provided, single submitter. Criteria: GeneDx Variant Classification Process June 2021. Collection method: clinical testing. Allele origin: germline.
Comment: Reported with a second variant (phase unknown) in a patient with hematuria in published literature (PMID: 38547852); Not observed at significant frequency in large population cohorts (gnomAD); In silico analysis supports that this missense variant has a deleterious effect on protein structure/function; Occurs in the triple helical domain at the Y position in the canonical Gly-X-Y repeat; although this variant may have an effect on normal protein folding and function, missense substitution at the Y position is not a common mechanism of disease; In silico analysis suggests this variant may impact gene splicing. In the absence of RNA/functional studies, the actual effect of this sequence change is unknown.; This variant is associated with the following publications: (PMID: 38547852, 40237890)

Ambry Genetics
Classification: Uncertain significance for Inborn genetic diseases. Last evaluated: 2025-10-30. Review status: criteria provided, single submitter. Criteria: Ambry Variant Classification Scheme 2023. Collection method: clinical testing. Allele origin: germline.

Blueprint Genetics
Classification: Uncertain significance. Last evaluated: 2024-10-31. Review status: criteria provided, single submitter. Criteria: ACMG Guidelines, 2015. Collection method: clinical testing. Allele origin: germline.

Labcorp Genetics (formerly Invitae), Labcorp
Classification: Uncertain significance. Last evaluated: 2024-05-24. Review status: criteria provided, single submitter. Criteria: Invitae Variant Classification Sherloc (09022015). Collection method: clinical testing. Allele origin: germline.
Comment: This sequence change replaces lysine, which is basic and polar, with asparagine, which is neutral and polar, at codon 662 of the COL4A4 protein (p.Lys662Asn). This variant is not present in population databases (gnomAD no frequency). This missense change has been observed in individual(s) with clinical features of Alport syndrome (Invitae). ClinVar contains an entry for this variant (Variation ID: 1902850). An algorithm developed to predict the effect of missense changes on protein structure and function (PolyPhen-2) suggests that this variant is likely to be disruptive. Algorithms developed to predict the effect of sequence changes on RNA splicing suggest that this variant may disrupt the consensus splice site. In summary, the available evidence is currently insufficient to determine the role of this variant in disease. Therefore, it has been classified as a Variant of Uncertain Significance.

Fulgent Genetics
Classification: Uncertain significance for Hematuria, benign familial, 1; Autosomal recessive Alport syndrome. Last evaluated: 2024-01-09. Review status: criteria provided, single submitter. Criteria: ACMG Guidelines, 2015. Collection method: clinical testing. Allele origin: germline.